The following is an entry in ClinVar:

NM_139242.4(MTFMT):c.976-239A>G

Gene: MTFMT (mitochondrial methionyl-tRNA formyltransferase; minus strand). Cytogenetic location: 15q22.31.
Variant type: single nucleotide variant.
Coding change: c.976-239A>G on transcript NM_139242.4 (MANE Select); 239 bases into the intron before coding-DNA position 976, A replaced by G.
Molecular consequence: intron variant.
Genome position (GRCh38, 1-based): chr15:65,003,495, T>C on the plus strand (A>G on the coding strand, the complement: MTFMT is on the minus strand). VCF-style: chr15-65003495-T-C. GRCh37 (hg19) VCF-style: chr15-65295833-T-C.
Identifiers: ClinVar variation 673117 (VCV000673117.1), dbSNP rs72744623, ClinGen allele CA271489829.

ClinVar aggregate classification (germline): Likely benign (1 of 4 stars; one submission).

Allele frequency attached by ClinVar (database versions not stated): 1000 Genomes Project 30x 0.00468; 1000 Genomes Project 0.00479; TOPMed 0.00738; gnomAD 0.00979 and 0.01027.
gnomAD v4.1: 1,506 of 152,242 alleles (0.99%); highest among the groups gnomAD compares: Non-Finnish European, 1.3%; 15 homozygotes.

Submission:

GeneDx
Classification: Likely benign. Last evaluated: 2018-06-14. Review status: criteria provided, single submitter. Criteria: GeneDx Variant Classification (06012015). Collection method: clinical testing. Allele origin: germline. Affected: yes.
Comment: This variant is considered likely benign or benign based on one or more of the following criteria: it is a conservative change, it occurs at a poorly conserved position in the protein, it is predicted to be benign by multiple in silico algorithms, and/or has population frequency not consistent with disease.